The following is an entry in ClinVar:

NM_030665.4(RAI1):c.195G>C (p.Thr65=)

Gene: RAI1 (retinoic acid induced 1; plus strand). Cytogenetic location: 17p11.2.
Variant type: single nucleotide variant.
Coding change: c.195G>C on transcript NM_030665.4 (MANE Select); coding-DNA position 195, G replaced by C.
Protein change: p.Thr65=; no amino-acid change (threonine 65 retained).
Molecular consequence: synonymous variant.
Genome position (GRCh38, 1-based): chr17:17,793,143, G>C. VCF-style: chr17-17793143-G-C. GRCh37 (hg19) VCF-style: chr17-17696457-G-C.
Other names: c.195G>C (NM_030665.3).
Identifiers: ClinVar variation 1910078 (VCV001910078.6), dbSNP rs377342940, ClinGen allele CA288366872.
Genomic context (GRCh38, chr17:17,793,143, plus strand): 5'-GCTCGCCAAGGACTATTATAACCCGCAGCCTTACCCGAGCTATGAGGGTGGCGCTGGCAC[G>C]CCCTCTGGCACTGCAGCCGCGGTGGCCGCCGACAAGTACCACCGAGGCAGCAAGGCCCTG-3'
Protein context (NP_109590.3, residues 55-75): PYPSYEGGAG[Thr65=]PSGTAAAVAA

ClinVar aggregate classification (germline): Likely benign. Review status: criteria provided, multiple submitters, no conflicts (2 of 4 stars). 2 submissions from 2 submitters: Likely benign (2). Last evaluated 2024-10-20.

Conditions:
RAI1-related disorder. Also called: RAI1-related condition.

gnomAD v4.1: 21 of 1,613,582 alleles (0.0013%); highest among the groups gnomAD compares: Non-Finnish European, 0.0018%; no homozygotes.

Submissions (2):

PreventionGenetics, part of Exact Sciences
Classification: Likely benign for RAI1-related condition. Last evaluated: 2024-10-20. Review status: criteria provided, single submitter. Criteria: ACMG Guidelines, 2015. Collection method: clinical testing. Allele origin: germline.
Comment: This variant is classified as likely benign based on ACMG/AMP sequence variant interpretation guidelines (Richards et al. 2015 PMID: 25741868, with internal and published modifications).

Labcorp Genetics (formerly Invitae), Labcorp
Classification: Likely benign. Last evaluated: 2022-08-20. Review status: criteria provided, single submitter. Criteria: Invitae Variant Classification Sherloc (09022015). Collection method: clinical testing. Allele origin: germline.